The following is an entry in ClinVar:

NM_004168.4(SDHA):c.247G>T (p.Ala83Ser)

Gene: SDHA (succinate dehydrogenase complex flavoprotein subunit A; plus strand). Cytogenetic location: 5p15.33.
Variant type: single nucleotide variant.
Coding change: c.247G>T on transcript NM_004168.4 (MANE Select); coding-DNA position 247, G replaced by T.
Protein change: p.Ala83Ser; replaces alanine 83 with serine.
Molecular consequence: missense variant.
Genome position (GRCh38, 1-based): chr5:224,456, G>T. VCF-style: chr5-224456-G-T. GRCh37 (hg19) VCF-style: chr5-224571-G-T.
Other names: c.247G>T, p.Ala83Ser (NM_001294332.2, NM_001330758.2); short protein forms A83S.
Identifiers: ClinVar variation 3223740 (VCV003223740.1), dbSNP rs1169341508, ClinGen allele CA359008565.
Genomic context (GRCh38, chr5:224,456, plus strand): 5'-GATGCAGTGGTGGTAGGCGCTGGAGGGGCAGGCTTGCGAGCTGCATTTGGCCTTTCTGAG[G>T]CAGGGTTTAATACAGCATGTGTTACCAAGCTGTTTCCTACCAGGTCACACACTGTTGCAG-3'
Protein context (NP_004159.2, residues 73-93): GLRAAFGLSE[Ala83Ser]GFNTACVTKL

ClinVar aggregate classification (germline): Uncertain significance (1 of 4 stars; one submission).

Conditions:
Hereditary cancer-predisposing syndrome. Also called: Tumor predisposition; Hereditary neoplastic syndrome; Hereditary Cancer Syndrome; Neoplastic Syndromes, Hereditary. Identifiers: Orphanet 140162, MedGen C0027672, MeSH D009386, MONDO:0015356.

Allele frequency attached by ClinVar (database versions not stated): gnomAD 0.00001.
gnomAD v4.1: 1 of 1,613,508 alleles (0.000062%); no homozygotes.

Submission:

Ambry Genetics
Classification: Uncertain significance for Hereditary cancer-predisposing syndrome. Last evaluated: 2023-12-14. Review status: criteria provided, single submitter. Criteria: Ambry Variant Classification Scheme 2023. Collection method: clinical testing. Allele origin: germline.
Comment: The p.A83S variant (also known as c.247G>T), located in coding exon 3 of the SDHA gene, results from a G to T substitution at nucleotide position 247. The alanine at codon 83 is replaced by serine, an amino acid with similar properties. This amino acid position is highly conserved in available vertebrate species. In addition, the in silico prediction for this alteration is inconclusive. Since supporting evidence is limited at this time, the clinical significance of this alteration remains unclear.